The following is an entry in ClinVar:

ClinVar aggregate classification (germline): Uncertain significance (1 of 4 stars; one submission).

Conditions:
Nemaline myopathy 2 (NEM2). Also called: Nemaline myopathy 2, autosomal recessive. Identifiers: MedGen C1850569, MONDO:0009725, OMIM 256030.

Submission:

Labcorp Genetics (formerly Invitae), Labcorp
Classification: Uncertain significance for Nemaline myopathy 2. Last evaluated: 2025-04-21. Review status: criteria provided, single submitter. Criteria: Invitae Variant Classification Sherloc (09022015). Collection method: clinical testing. Allele origin: germline.
Comment: This sequence change replaces glutamine, which is neutral and polar, with arginine, which is basic and polar, at codon 6528 of the NEB protein (p.Gln6528Arg). This variant is not present in population databases (gnomAD no frequency). This variant has not been reported in the literature in individuals affected with NEB-related conditions. ClinVar contains an entry for this variant (Variation ID: 2129010). Experimental studies and prediction algorithms are not available or were not evaluated, and the functional significance of this variant is currently unknown. In summary, the available evidence is currently insufficient to determine the role of this variant in disease. Therefore, it has been classified as a Variant of Uncertain Significance.

NM_001164508.2(NEB):c.19583A>G (p.Gln6528Arg)

Genes: NEB (nebulin; minus strand), LOC126806373 (BRD4-independent group 4 enhancer GRCh37_chr2:152410007-152411206; plus strand). Cytogenetic location: 2q23.3.
Variant type: single nucleotide variant.
Coding change: c.19583A>G on transcript NM_001164508.2 (MANE Select); coding-DNA position 19583, A replaced by G.
Protein change: p.Gln6528Arg; replaces glutamine 6528 with arginine.
Molecular consequence: missense variant.
Genome position (GRCh38, 1-based): chr2:151,553,871, T>C on the plus strand (A>G on the coding strand, the complement: NEB is on the minus strand). VCF-style: chr2-151553871-T-C. GRCh37 (hg19) VCF-style: chr2-152410385-T-C.
Other names: c.19583A>G, p.Gln6528Arg (NM_001164507.2, NM_001271208.2); c.14480A>G, p.Gln4827Arg (NM_004543.5); short protein forms Q4827R, Q6528R.
Identifiers: ClinVar variation 2129010 (VCV002129010.4), dbSNP rs2153660026, ClinGen allele CA348790832.